The following is an entry in ClinVar:

ClinVar aggregate classification (germline): Uncertain significance (1 of 4 stars; one submission).

Conditions:
Phenylketonuria (PKU). Also called: Phenylketonurias; FOLLING DISEASE; Phenylketonuria (PKU); OLIGOPHRENIA PHENYLPYRUVICA. Identifiers: Orphanet 716, MedGen C0031485, MONDO:0009861, OMIM 261600. Disease mechanism: loss of function.

Allele frequency attached by ClinVar (database versions not stated): gnomAD exomes below 0.00001.
gnomAD v4.1: 1 of 1,613,780 alleles (0.000062%); highest among the groups gnomAD compares: South Asian, 0.0011%; no homozygotes.

Submission:

Labcorp Genetics (formerly Invitae), Labcorp
Classification: Uncertain significance for Phenylketonuria. Last evaluated: 2024-02-05. Review status: criteria provided, single submitter. Criteria: Invitae Variant Classification Sherloc (09022015). Collection method: clinical testing. Allele origin: germline.
Comment: This sequence change replaces asparagine, which is neutral and polar, with serine, which is neutral and polar, at codon 376 of the PAH protein (p.Asn376Ser). This variant is not present in population databases (gnomAD no frequency). This variant has not been reported in the literature in individuals affected with PAH-related conditions. ClinVar contains an entry for this variant (Variation ID: 1714193). Advanced modeling of protein sequence and biophysical properties (such as structural, functional, and spatial information, amino acid conservation, physicochemical variation, residue mobility, and thermodynamic stability) performed at Invitae indicates that this missense variant is not expected to disrupt PAH protein function with a negative predictive value of 80%. In summary, the available evidence is currently insufficient to determine the role of this variant in disease. Therefore, it has been classified as a Variant of Uncertain Significance.

NM_000277.3(PAH):c.1127A>G (p.Asn376Ser)

Gene: PAH (phenylalanine hydroxylase; minus strand). Cytogenetic location: 12q23.2.
Variant type: single nucleotide variant.
Coding change: c.1127A>G on transcript NM_000277.3 (MANE Select); coding-DNA position 1127, A replaced by G.
Protein change: p.Asn376Ser; replaces asparagine 376 with serine.
Molecular consequence: missense variant.
Genome position (GRCh38, 1-based): chr12:102,843,718, T>C on the plus strand (A>G on the coding strand, the complement: PAH is on the minus strand). VCF-style: chr12-102843718-T-C. GRCh37 (hg19) VCF-style: chr12-103237496-T-C.
Other names: c.1127A>G, p.Asn376Ser (NM_001354304.2); short protein forms N376S.
Identifiers: ClinVar variation 1714193 (VCV001714193.4), dbSNP rs1830162545, ClinGen allele CA386493256.
Genomic context (GRCh38, chr12:102,843,718, plus strand): 5'-TTGGCATCATTAAAACTCTCTGCCACGTAATAGAGGGGCTGGAACTCCGTGACAGTGTAA[T>C]TTTGGATGGCTGTCTTCTCCAGCTCCAGGGGGAGAAGCTTTGGCTTCTCTGATAAGCAGT-3'
Protein context (NP_000268.1, residues 366-386): PLELEKTAIQ[Asn376Ser]YTVTEFQPLY